The following is an entry in ClinVar:

ClinVar aggregate classification (germline): Pathogenic. Review status: criteria provided, multiple submitters, no conflicts (2 of 4 stars). 3 submissions from 3 submitters: Pathogenic (3). Last evaluated 2024-01-06.

Conditions:
Autosomal recessive nonsyndromic hearing loss 7. Also called: DEAFNESS, AUTOSOMAL RECESSIVE 11. Identifiers: Orphanet 90636, MedGen C1832978, MONDO:0010967, OMIM 600974.

Allele frequency attached by ClinVar (database versions not stated): ExAC 0.00001; gnomAD 0.00001; gnomAD exomes 0.00001; TOPMed 0.00002.
gnomAD v4.1: 18 of 1,613,710 alleles (0.0011%); highest among the groups gnomAD compares: East Asian, 0.0045%; no homozygotes.

Submissions (3):

Wonkam Laboratory, Johns Hopkins University
Classification: Pathogenic for Autosomal recessive nonsyndromic hearing loss 7. Last evaluated: 2024-01-06. Review status: criteria provided, single submitter. Criteria: ACMG Guidelines, 2015. Collection method: research. Allele origin: germline. Inheritance: Autosomal recessive inheritance. Affected: yes. Observed: 3 variant alleles. Clinical features observed: Profound nonsyndromic hearing loss.
Comment: This variant TMC1 c.790C>T (NM_138691.2) is a null variant (nonsense) in a gene where LOF is a known mechanism of disease (PVS1), the variant is Absent from controls (or at extremely low frequency if recessive) in Exome Sequencing Project, 1000 Genomes Project, or Exome Aggregation Consortium (PM2), Multiple lines of computational evidence support a deleterious effect on the gene or gene product (conservation, evolutionary, splicing impact, etc.) (PP3)

Labcorp Genetics (formerly Invitae), Labcorp
Classification: Pathogenic. Last evaluated: 2024-01-04. Review status: criteria provided, single submitter. Criteria: Invitae Variant Classification Sherloc (09022015). Collection method: clinical testing. Allele origin: germline.
Comment: This sequence change creates a premature translational stop signal (p.Arg264*) in the TMC1 gene. It is expected to result in an absent or disrupted protein product. Loss-of-function variants in TMC1 are known to be pathogenic (PMID: 11850618, 22105175). This variant is present in population databases (rs765657443, gnomAD 0.008%). This premature translational stop signal has been observed in individual(s) with hearing loss (PMID: 28000701). Algorithms developed to predict the effect of sequence changes on RNA splicing suggest that this variant may disrupt the consensus splice site. For these reasons, this variant has been classified as Pathogenic.

3billion
Classification: Pathogenic for Autosomal recessive nonsyndromic hearing loss 7. Last evaluated: 2023-10-12. Review status: criteria provided, single submitter. Criteria: ACMG Guidelines, 2015. Collection method: clinical testing. Allele origin: germline. Affected: yes.
Comment: The variant is observed at an extremely low frequency in the gnomAD v2.1.1 dataset (total allele frequency: 0.001%). Predicted Consequence/Location: Stop-gained (nonsense): predicted to result in a loss or disruption of normal protein function through nonsense-mediated decay (NMD) or protein truncation. Multiple pathogenic variants are reported downstream of the variant. The variant has been reported to be associated with TMC1-related disorder (PMID: 28000701). Therefore, this variant is classified as Pathogenic according to the recommendation of ACMG/AMP guideline.

Literature cited by the submitters: PubMed 11850618 (cited by Labcorp Genetics (formerly Invitae), Labcorp); PubMed 22105175 (cited by Labcorp Genetics (formerly Invitae), Labcorp); PubMed 28000701 (cited by Labcorp Genetics (formerly Invitae), Labcorp and 3billion).

NM_138691.3(TMC1):c.790C>T (p.Arg264Ter)

Gene: TMC1 (transmembrane channel like 1; plus strand). Cytogenetic location: 9q21.13.
Variant type: single nucleotide variant.
Coding change: c.790C>T on transcript NM_138691.3 (MANE Select); coding-DNA position 790, C replaced by T.
Protein change: p.Arg264Ter; replaces arginine 264 with a stop codon.
Molecular consequence: nonsense.
Genome position (GRCh38, 1-based): chr9:72,772,461, C>T. VCF-style: chr9-72772461-C-T. GRCh37 (hg19) VCF-style: chr9-75387377-C-T.
Other names: c.790C>T (NM_138691.2); short protein forms R264*.
Identifiers: ClinVar variation 2735278 (VCV002735278.5), dbSNP rs765657443, ClinGen allele CA5081789.